The following is an entry in ClinVar:

NM_024715.4(TXNDC15):c.317G>C (p.Ser106Thr)

Gene: TXNDC15 (thioredoxin domain containing 15; plus strand). Cytogenetic location: 5q31.1.
Variant type: single nucleotide variant.
Coding change: c.317G>C on transcript NM_024715.4 (MANE Select); coding-DNA position 317, G replaced by C.
Protein change: p.Ser106Thr; replaces serine 106 with threonine.
Molecular consequence: missense variant.
Genome position (GRCh38, 1-based): chr5:134,887,908, G>C. VCF-style: chr5-134887908-G-C. GRCh37 (hg19) VCF-style: chr5-134223598-G-C.
Other names: c.113G>C, p.Ser38Thr (NM_001350735.2); c.317G>C (NM_024715.3); short protein forms S38T, S106T.
Identifiers: ClinVar variation 2180878 (VCV002180878.5), dbSNP rs758309291, ClinGen allele CA3416824.

ClinVar aggregate classification (germline): Uncertain significance. Review status: criteria provided, multiple submitters, no conflicts (2 of 4 stars). 2 submissions from 2 submitters: Uncertain significance (2). Last evaluated 2024-01-23.

Conditions:
Inborn genetic diseases. Identifiers: MedGen C0950123, MeSH D030342.

Allele frequency attached by ClinVar (database versions not stated): gnomAD 0.00001; TOPMed 0.00005; ExAC 0.00012.
gnomAD v4.1: 25 of 1,614,108 alleles (0.0015%); highest among the groups gnomAD compares: Admixed American, 0.04%; no homozygotes.

Submissions (2):

Ambry Genetics
Classification: Uncertain significance for Inborn genetic diseases. Last evaluated: 2024-01-23. Review status: criteria provided, single submitter. Criteria: Ambry Variant Classification Scheme 2023. Collection method: clinical testing. Allele origin: germline.

Labcorp Genetics (formerly Invitae), Labcorp
Classification: Uncertain significance. Last evaluated: 2024-01-08. Review status: criteria provided, single submitter. Criteria: Invitae Variant Classification Sherloc (09022015). Collection method: clinical testing. Allele origin: germline.
Comment: This sequence change replaces serine, which is neutral and polar, with threonine, which is neutral and polar, at codon 106 of the TXNDC15 protein (p.Ser106Thr). This variant is present in population databases (rs758309291, gnomAD 0.07%). This variant has not been reported in the literature in individuals affected with TXNDC15-related conditions. ClinVar contains an entry for this variant (Variation ID: 2180878). An algorithm developed to predict the effect of missense changes on protein structure and function (PolyPhen-2) suggests that this variant is likely to be tolerated. In summary, the available evidence is currently insufficient to determine the role of this variant in disease. Therefore, it has been classified as a Variant of Uncertain Significance.